The following is an entry in ClinVar:

NM_000349.3(STAR):c.745-1_745delinsAA

Gene: STAR (steroidogenic acute regulatory protein; minus strand). Cytogenetic location: 8p11.23.
Variant type: Indel.
Coding change: c.745-1_745delinsAA on transcript NM_000349.3 (MANE Select); the canonical splice acceptor site of the intron before coding-DNA position 745 through coding-DNA position 745, GG replaced by AA.
Molecular consequence: splice acceptor variant.
Genome position (GRCh38, 1-based): chr8:38,144,386-38,144,387, CC replaced by TT on the plus strand (GG replaced by AA on the coding strand, the reverse complement: STAR is on the minus strand). VCF-style: chr8-38144386-CC-TT. GRCh37 (hg19) VCF-style: chr8-38001904-CC-TT.
Identifiers: ClinVar variation 1349730 (VCV001349730.6), dbSNP rs2130611276, ClinGen allele CA2573142681.

ClinVar aggregate classification (germline): Likely pathogenic (1 of 4 stars; one submission).

Submission:

Labcorp Genetics (formerly Invitae), Labcorp
Classification: Likely pathogenic. Last evaluated: 2021-10-23. Review status: criteria provided, single submitter. Criteria: Invitae Variant Classification Sherloc (09022015). Collection method: clinical testing. Allele origin: germline.
Comment: In summary, the currently available evidence indicates that the variant is pathogenic, but additional data are needed to prove that conclusively. Therefore, this variant has been classified as Likely Pathogenic. Algorithms developed to predict the effect of sequence changes on RNA splicing suggest that this variant may disrupt the consensus splice site. This variant has not been reported in the literature in individuals affected with STAR-related conditions. The frequency data for this variant in the population databases is not available, as this variant may be reported as separate entries in the ExAC database. This sequence change affects a splice site in intron 6 of the STAR gene. It is expected to disrupt RNA splicing. Variants that disrupt the donor or acceptor splice site typically lead to a loss of protein function (PMID: 16199547), and loss-of-function variants in STAR are known to be pathogenic (PMID: 8948562).

Literature cited by the submitters: PubMed 16199547; PubMed 8948562.